The following is an entry in ClinVar:

ClinVar aggregate classification (germline): Uncertain significance (1 of 4 stars; one submission).

Conditions:
Early Myoclonic Encephalopathy. Identifiers: MedGen C0270855.

Allele frequency attached by ClinVar (database versions not stated): 1000 Genomes Project 0.00040; ESP Exome Variant Server 0.00008; gnomAD 0.00003; TOPMed 0.00003; 1000 Genomes Project 30x 0.00031.
gnomAD v4.1: 32 of 1,613,880 alleles (0.002%); highest among the groups gnomAD compares: East Asian, 0.013%; no homozygotes.

Submission:

Labcorp Genetics (formerly Invitae), Labcorp
Classification: Uncertain significance for Early Myoclonic Encephalopathy. Last evaluated: 2025-05-19. Review status: criteria provided, single submitter. Criteria: Invitae Variant Classification Sherloc (09022015). Collection method: clinical testing. Allele origin: germline.
Comment: This sequence change replaces threonine, which is neutral and polar, with alanine, which is neutral and non-polar, at codon 80 of the JMJD1C protein (p.Thr80Ala). This variant is present in population databases (rs377459705, gnomAD 0.04%). This variant has not been reported in the literature in individuals affected with JMJD1C-related conditions. ClinVar contains an entry for this variant (Variation ID: 529717). An algorithm developed to predict the effect of missense changes on protein structure and function outputs the following: PolyPhen-2: "Benign". The alanine amino acid residue is found in multiple mammalian species, which suggests that this missense change does not adversely affect protein function. In summary, the available evidence is currently insufficient to determine the role of this variant in disease. Therefore, it has been classified as a Variant of Uncertain Significance.

NM_032776.3(JMJD1C):c.238A>G (p.Thr80Ala)

Gene: JMJD1C (jumonji domain containing 1C; minus strand). Cytogenetic location: 10q21.3.
Variant type: single nucleotide variant.
Coding change: c.238A>G on transcript NM_032776.3 (MANE Select); coding-DNA position 238, A replaced by G.
Protein change: p.Thr80Ala; replaces threonine 80 with alanine.
Molecular consequence: missense variant. On other transcripts: 5 prime UTR variant (2).
Genome position (GRCh38, 1-based): chr10:63,380,413, T>C on the plus strand (A>G on the coding strand, the complement: JMJD1C is on the minus strand). VCF-style: chr10-63380413-T-C. GRCh37 (hg19) VCF-style: chr10-65140173-T-C.
Other names: c.-309A>G (NM_001318154.2); c.238A>G, p.Thr80Ala (NM_001322252.2); c.-314A>G (NM_001322258.2); short protein forms T80A.
Identifiers: ClinVar variation 529717 (VCV000529717.12), dbSNP rs377459705, ClinGen allele CA5519139.